The following is an entry in ClinVar:

NM_002485.5(NBN):c.1715C>T (p.Pro572Leu)

Gene: NBN (nibrin; minus strand). Cytogenetic location: 8q21.3.
Variant type: single nucleotide variant.
Coding change: c.1715C>T on transcript NM_002485.5 (MANE Select); coding-DNA position 1715, C replaced by T.
Protein change: p.Pro572Leu; replaces proline 572 with leucine.
Molecular consequence: missense variant.
Genome position (GRCh38, 1-based): chr8:89,953,374, G>A on the plus strand (C>T on the coding strand, the complement: NBN is on the minus strand). VCF-style: chr8-89953374-G-A. GRCh37 (hg19) VCF-style: chr8-90965602-G-A.
Other names: c.1469C>T, p.Pro490Leu (NM_001024688.3); short protein forms P572L, P490L.
Identifiers: ClinVar variation 530726 (VCV000530726.22), dbSNP rs1554558303, ClinGen allele CA371655253.

ClinVar aggregate classification (germline): Conflicting classifications of pathogenicity. Review status: criteria provided, conflicting classifications (1 of 4 stars). 6 submissions from 6 submitters: Uncertain significance (4); Likely benign (1). 1 of the submissions does not count toward it. Last evaluated 2024-12-29.

Conditions:
Aplastic anemia. Identifiers: Orphanet 182040, Orphanet 88, MedGen C0002874, MONDO:0015909, OMIM 609135, HP:0001915.
Hereditary cancer-predisposing syndrome. Also called: Neoplastic Syndromes, Hereditary; Hereditary neoplastic syndrome; Tumor predisposition; Hereditary Cancer Syndrome. Identifiers: Orphanet 140162, MedGen C0027672, MeSH D009386, MONDO:0015356.
Microcephaly, normal intelligence and immunodeficiency (NBS). Also called: Immunodeficiency, microcephaly with normal intelligence; Ataxia telangiectasia variant V1; IMMUNODEFICIENCY, MICROCEPHALY, AND CHROMOSOMAL INSTABILITY; BERLIN BREAKAGE SYNDROME; SEEMANOVA SYNDROME II; Nijmegen breakage syndrome. Identifiers: Orphanet 647, MedGen C0398791, MONDO:0009623, OMIM 251260.

Allele frequency attached by ClinVar (database versions not stated): gnomAD exomes 0.00004.
gnomAD v4.1: 53 of 1,613,416 alleles (0.0033%); highest among the groups gnomAD compares: Non-Finnish European, 0.0045%; no homozygotes.

Submissions (6):

Labcorp Genetics (formerly Invitae), Labcorp
Classification: Uncertain significance for Microcephaly, normal intelligence and immunodeficiency. Last evaluated: 2024-12-29. Review status: criteria provided, single submitter. Criteria: Invitae Variant Classification Sherloc (09022015). Collection method: clinical testing. Allele origin: germline.
Comment: This sequence change replaces proline, which is neutral and non-polar, with leucine, which is neutral and non-polar, at codon 572 of the NBN protein (p.Pro572Leu). This variant is not present in population databases (gnomAD no frequency). This variant has not been reported in the literature in individuals affected with NBN-related conditions. ClinVar contains an entry for this variant (Variation ID: 530726). An algorithm developed to predict the effect of missense changes on protein structure and function outputs the following: PolyPhen-2: "Benign". The leucine amino acid residue is found in multiple mammalian species, which suggests that this missense change does not adversely affect protein function. In summary, the available evidence is currently insufficient to determine the role of this variant in disease. Therefore, it has been classified as a Variant of Uncertain Significance.

Ambry Genetics
Classification: Likely benign for Hereditary cancer-predisposing syndrome. Last evaluated: 2024-03-27. Review status: criteria provided, single submitter. Criteria: Ambry Variant Classification Scheme 2023. Collection method: clinical testing. Allele origin: germline.

Baylor Genetics
Classification: Uncertain significance for Aplastic anemia. Last evaluated: 2023-12-14. Review status: criteria provided, single submitter. Criteria: ACMG Guidelines, 2015. Collection method: clinical testing. Allele origin: unknown.

GeneDx
Classification: Uncertain significance. Last evaluated: 2022-06-01. Review status: criteria provided, single submitter. Criteria: GeneDx Variant Classification Process June 2021. Collection method: clinical testing. Allele origin: germline. Affected: yes.
Comment: Not observed at significant frequency in large population cohorts (gnomAD); In silico analysis supports that this missense variant does not alter protein structure/function; Has not been previously published as pathogenic or benign to our knowledge

Genome-Nilou Lab
Classification: Uncertain significance for Microcephaly, normal intelligence and immunodeficiency. Last evaluated: 2021-11-07. Review status: criteria provided, single submitter. Criteria: ACMG Guidelines, 2015. Collection method: clinical testing. Allele origin: germline. Affected: no.

Natera, Inc.
Classification: Uncertain significance for Nijmegen breakage syndrome. Last evaluated: 2020-03-15. Review status: no assertion criteria provided. Collection method: clinical testing. Allele origin: germline. Not counted in ClinVar's aggregate classification.